The following is an entry in ClinVar:

ClinVar aggregate classification (germline): Likely pathogenic (1 of 4 stars; one submission).

Submission:

CeGaT Center for Human Genetics Tuebingen
Classification: Likely pathogenic. Last evaluated: 2024-08-01. Review status: criteria provided, single submitter. Criteria: CeGaT Center For Human Genetics Tuebingen Variant Classification Criteria Version 2. Collection method: clinical testing. Allele origin: germline. Affected: yes. Observed: 1 variant allele.
Comment: LRRK2: PM2, PP1:Moderate, PS3:Supporting, PS4:Supporting

NM_198578.4(LRRK2):c.4318G>C (p.Ala1440Pro)

Gene: LRRK2 (leucine rich repeat kinase 2; plus strand). Cytogenetic location: 12q12.
Variant type: single nucleotide variant.
Coding change: c.4318G>C on transcript NM_198578.4 (MANE Select); coding-DNA position 4318, G replaced by C.
Protein change: p.Ala1440Pro; replaces alanine 1440 with proline.
Molecular consequence: missense variant.
Genome position (GRCh38, 1-based): chr12:40,310,431, G>C. VCF-style: chr12-40310431-G-C. GRCh37 (hg19) VCF-style: chr12-40704233-G-C.
Other names: short protein forms A1440P.
Identifiers: ClinVar variation 3341978 (VCV003341978.16).
Genomic context (GRCh38, chr12:40,310,431, plus strand): 5'-GAATGTGAGCAGGCCCAGTTTGAAAGCAAACACAAGAGGGTTTTGTGTCTTTCCCTCCAG[G>C]CTCGCGCTTCTTCTTCCCCTGTGATTCTCGTTGGCACACATTTGGATGTTTCTGATGAGA-3'
Protein context (NP_940980.4, residues 1430-1450): AMKPWLFNIK[Ala1440Pro]RASSSPVILV